The following is an entry in ClinVar:

NM_001035.3(RYR2):c.10231-13del

Gene: RYR2 (ryanodine receptor 2; plus strand). Cytogenetic location: 1q43.
Variant type: Deletion.
Coding change: c.10231-13del on transcript NM_001035.3 (MANE Select); 13 bases into the intron before coding-DNA position 10231, one base deleted (T; older notation c.10231-13delT).
Molecular consequence: intron variant.
Genome position (GRCh38, 1-based): chr1:237,711,732, T deleted; the last of 3 consecutive T bases (chr1:237,711,730-237,711,732); deleting any one gives the same sequence. VCF-style (leftmost placement, unchanged base first): chr1-237711729-CT-C. GRCh37 (hg19) VCF-style: chr1-237875029-CT-C.
Identifiers: ClinVar variation 3074097 (VCV003074097.2), dbSNP rs762973271, ClinGen allele CA39795885.

ClinVar aggregate classification (germline): Uncertain significance. Review status: criteria provided, multiple submitters, no conflicts (2 of 4 stars). 2 submissions from 2 submitters: Uncertain significance (2). Last evaluated 2025-03-19.

Conditions:
Catecholaminergic polymorphic ventricular tachycardia (CVPT). Also called: Catecholamine-induced polymorphic ventricular tachycardia. Identifiers: Orphanet 3286, MedGen C5574922, MONDO:0017990.
Catecholaminergic polymorphic ventricular tachycardia 1. Also called: VENTRICULAR TACHYCARDIA, CATECHOLAMINERGIC POLYMORPHIC, 1, WITH OR WITHOUT ATRIAL DYSFUNCTION AND/OR DILATED CARDIOMYOPATHY; RYR2-Related Catecholaminergic Polymorphic Ventricular Tachycardia; VENTRICULAR TACHYCARDIA, STRESS-INDUCED POLYMORPHIC 1. Identifiers: Orphanet 3286, MedGen C1631597, MONDO:0011484, OMIM 604772.

Submissions (2):

Labcorp Genetics (formerly Invitae), Labcorp
Classification: Uncertain significance for Catecholaminergic polymorphic ventricular tachycardia 1. Last evaluated: 2025-03-19. Review status: criteria provided, single submitter. Criteria: Invitae Variant Classification Sherloc (09022015). Collection method: clinical testing. Allele origin: germline.
Comment: This sequence change falls in intron 70 of the RYR2 gene. It does not directly change the encoded amino acid sequence of the RYR2 protein. The frequency data for this variant in the population databases is considered unreliable, as metrics indicate poor data quality at this position in the gnomAD database. This variant has not been reported in the literature in individuals affected with RYR2-related conditions. ClinVar contains an entry for this variant (Variation ID: 3074097). Algorithms developed to predict the effect of sequence changes on RNA splicing suggest that this variant may create or strengthen a splice site. In summary, the available evidence is currently insufficient to determine the role of this variant in disease. Therefore, it has been classified as a Variant of Uncertain Significance.

All of Us Research Program, National Institutes of Health
Classification: Uncertain significance for Catecholaminergic polymorphic ventricular tachycardia. Last evaluated: 2023-10-23. Review status: criteria provided, single submitter. Criteria: ACMG Guidelines, 2015. Collection method: clinical testing. Allele origin: germline. Inheritance: Autosomal dominant inheritance. Observed: 1 variant allele, 1 heterozygote.
Comment: This variant causes a deletion of 1 nucleotide in intron 70 of the RYR2 gene. To our knowledge, functional studies have not been reported for this variant. This variant has not been reported in individuals affected with RYR2-related disorders in the literature. This variant has not been identified in the general population by the Genome Aggregation Database (gnomAD). The available evidence is insufficient to determine the role of this variant in disease conclusively. Therefore, this variant is classified as a Variant of Uncertain Significance.

This study involves interpretation of variants in research participants for the purpose of population health screening. Participant phenotype was not available at the time of variant classification. Additional details can be found in publication PMID: 35346344, PMCID: PMC8962531